The following is an entry in ClinVar:

NM_145261.4(DNAJC19):c.64G>A (p.Val22Ile)

Gene: DNAJC19 (DnaJ heat shock protein family (Hsp40) member C19; minus strand). Cytogenetic location: 3q26.33.
Variant type: single nucleotide variant.
Coding change: c.64G>A on transcript NM_145261.4 (MANE Select); coding-DNA position 64, G replaced by A.
Protein change: p.Val22Ile; replaces valine 22 with isoleucine.
Molecular consequence: missense variant. On other transcripts: 5 prime UTR variant (1), non-coding transcript variant (3).
Genome position (GRCh38, 1-based): chr3:180,988,088, C>T on the plus strand (G>A on the coding strand, the complement: DNAJC19 is on the minus strand). VCF-style: chr3-180988088-C-T. GRCh37 (hg19) VCF-style: chr3-180705876-C-T.
Other names: c.64G>A (NM_145261.3); c.-12G>A (NM_001190233.2); short protein forms V22I.
Identifiers: ClinVar variation 2140962 (VCV002140962.2), dbSNP rs550711498, ClinGen allele CA2717141.

ClinVar aggregate classification (germline): Uncertain significance. Review status: criteria provided, multiple submitters, no conflicts (2 of 4 stars). 2 submissions from 2 submitters: Uncertain significance (2). Last evaluated 2024-07-26.

Conditions:
Inborn genetic diseases. Identifiers: MedGen C0950123, MeSH D030342.
3-methylglutaconic aciduria type 5. Also called: CARDIOMYOPATHY, DILATED, WITH ATAXIA; MGA, TYPE V; 3 alpha methylglutaconic aciduria type V; MGA 5. Identifiers: Orphanet 66634, MedGen C1857776, MONDO:0012435, OMIM 610198.

Allele frequency attached by ClinVar (database versions not stated): TOPMed 0.00001; gnomAD 0.00002; ExAC 0.00003; 1000 Genomes Project 0.00020; 1000 Genomes Project 30x 0.00031.

Submissions (2):

Ambry Genetics
Classification: Uncertain significance for Inborn genetic diseases. Last evaluated: 2024-07-26. Review status: criteria provided, single submitter. Criteria: Ambry Variant Classification Scheme 2023. Collection method: clinical testing. Allele origin: germline.

Labcorp Genetics (formerly Invitae), Labcorp
Classification: Uncertain significance for 3-methylglutaconic aciduria type 5. Last evaluated: 2022-07-04. Review status: criteria provided, single submitter. Criteria: Invitae Variant Classification Sherloc (09022015). Collection method: clinical testing. Allele origin: germline.
Comment: This sequence change replaces valine, which is neutral and non-polar, with isoleucine, which is neutral and non-polar, at codon 22 of the DNAJC19 protein (p.Val22Ile). This variant is present in population databases (rs550711498, gnomAD 0.02%). This variant has not been reported in the literature in individuals affected with DNAJC19-related conditions. Algorithms developed to predict the effect of missense changes on protein structure and function (SIFT, PolyPhen-2, Align-GVGD) all suggest that this variant is likely to be tolerated. In summary, the available evidence is currently insufficient to determine the role of this variant in disease. Therefore, it has been classified as a Variant of Uncertain Significance.